The following is an entry in ClinVar:

ClinVar aggregate classification (germline): Uncertain significance. Review status: criteria provided, single submitter (1 of 4 stars). 2 submissions from 2 submitters: Uncertain significance (1). 1 of the submissions does not count toward it. Last evaluated 2025-12-01.

Conditions:
Progressive myoclonic epilepsy type 7. Identifiers: Orphanet 435438, MedGen C4015420, MONDO:0014521, OMIM 616187.
KCNC1-related disorder. Also called: KCNC1-related condition; KCNC1-Related Disorders. Identifiers: MedGen CN381541.

Allele frequency attached by ClinVar (database versions not stated): gnomAD 0.00001; TOPMed 0.00001.
gnomAD v4.1: 13 of 1,551,434 alleles (0.00084%); highest among the groups gnomAD compares: Non-Finnish European, 0.0011%; no homozygotes.

Submissions (2):

Labcorp Genetics (formerly Invitae), Labcorp
Classification: Uncertain significance for Progressive myoclonic epilepsy type 7. Last evaluated: 2025-12-01. Review status: criteria provided, single submitter. Criteria: Invitae Variant Classification Sherloc (09022015). Collection method: clinical testing. Allele origin: germline.
Comment: This sequence change replaces arginine, which is basic and polar, with histidine, which is basic and polar, at codon 536 of the KCNC1 protein (p.Arg536His). This variant is not present in population databases (gnomAD no frequency). This variant has not been reported in the literature in individuals affected with KCNC1-related conditions. ClinVar contains an entry for this variant (Variation ID: 1000486). An algorithm developed to predict the effect of missense changes on protein structure and function (PolyPhen-2) suggests that this variant is likely to be disruptive. In summary, the available evidence is currently insufficient to determine the role of this variant in disease. Therefore, it has been classified as a Variant of Uncertain Significance.

PreventionGenetics, part of Exact Sciences
Classification: Uncertain significance for KCNC1-related condition. Last evaluated: 2024-09-23. Review status: no assertion criteria provided. Collection method: clinical testing. Allele origin: germline. Not counted in ClinVar's aggregate classification.
Comment: The KCNC1 c.1607G>A variant is predicted to result in the amino acid substitution p.Arg536His. To our knowledge, this variant has not been reported in the literature or in a large population database, indicating this variant is rare. At this time, the clinical significance of this variant is uncertain due to the absence of conclusive functional and genetic evidence.

NM_001112741.2(KCNC1):c.1607G>A (p.Arg536His)

Gene: KCNC1 (potassium voltage-gated channel subfamily C member 1; plus strand). Cytogenetic location: 11p15.1.
Variant type: single nucleotide variant.
Coding change: c.1607G>A on transcript NM_001112741.2 (MANE Select); coding-DNA position 1607, G replaced by A.
Protein change: p.Arg536His; replaces arginine 536 with histidine.
Molecular consequence: missense variant.
Genome position (GRCh38, 1-based): chr11:17,779,558, G>A. VCF-style: chr11-17779558-G-A. GRCh37 (hg19) VCF-style: chr11-17801105-G-A.
Other names: c.1607G>A (NM_001112741.1); short protein forms R536H.
Identifiers: ClinVar variation 1000486 (VCV001000486.10), dbSNP rs1442404828, ClinGen allele CA379814356.